The following is an entry in ClinVar:

NM_001753.5(CAV1):c.44C>G (p.Thr15Ser)

Gene: CAV1 (caveolin 1; plus strand). Cytogenetic location: 7q31.2.
Variant type: single nucleotide variant.
Coding change: c.44C>G on transcript NM_001753.5 (MANE Select); coding-DNA position 44, C replaced by G.
Protein change: p.Thr15Ser; replaces threonine 15 with serine.
Molecular consequence: missense variant. On other transcripts: 5 prime UTR variant (3).
Genome position (GRCh38, 1-based): chr7:116,526,538, C>G. VCF-style: chr7-116526538-C-G. GRCh37 (hg19) VCF-style: chr7-116166592-C-G.
Other names: c.-50C>G (NM_001172895.1, NM_001172896.2, NM_001172897.2); short protein forms T15S.
Identifiers: ClinVar variation 5018285 (VCV005018285.1).

ClinVar aggregate classification (germline): Uncertain significance (1 of 4 stars; one submission).

gnomAD v4.1: 3 of 1,614,142 alleles (0.00019%); highest among the groups gnomAD compares: African/African-American, 0.004%; no homozygotes.

Submission:

GeneDx
Classification: Uncertain significance. Last evaluated: 2026-04-07. Review status: criteria provided, single submitter. Criteria: GeneDx Variant Classification Process June 2021. Collection method: clinical testing. Allele origin: germline.
Comment: Not observed at significant frequency in large population cohorts (gnomAD); In silico analysis suggests that this missense variant does not alter protein structure/function; Has not been previously published as pathogenic or benign to our knowledge